The following is an entry in ClinVar:

NM_199242.3(UNC13D):c.560C>G (p.Thr187Ser)

Gene: UNC13D (unc-13 homolog D; minus strand). Cytogenetic location: 17q25.1.
Variant type: single nucleotide variant.
Coding change: c.560C>G on transcript NM_199242.3 (MANE Select); coding-DNA position 560, C replaced by G.
Protein change: p.Thr187Ser; replaces threonine 187 with serine.
Molecular consequence: missense variant.
Genome position (GRCh38, 1-based): chr17:75,842,442, G>C on the plus strand (C>G on the coding strand, the complement: UNC13D is on the minus strand). VCF-style: chr17-75842442-G-C. GRCh37 (hg19) VCF-style: chr17-73838523-G-C.
Other names: short protein forms T187S.
Identifiers: ClinVar variation 856199 (VCV000856199.7), dbSNP rs563841795, ClinGen allele CA8773440.
Genomic context (GRCh38, chr17:75,842,442, plus strand): 5'-GCTACCCAGGAAAGACCTGGATAGAGTGGGGGCTGGAGCACGGCCACGTACAGGATGAAG[G>C]TCTCGTCCCAGACGGGGTTGAGTGTCTGGGTGATGACCTGCGTGCGGTGGGTCTCCTCCT-3'
Protein context (NP_954712.1, residues 177-197): TQTLNPVWDE[Thr187Ser]FILEFEDITN

ClinVar aggregate classification (germline): Uncertain significance. Review status: criteria provided, multiple submitters, no conflicts (2 of 4 stars). 3 submissions from 3 submitters: Uncertain significance (3). Last evaluated 2026-06-10.

Conditions:
Inborn genetic diseases. Identifiers: MedGen C0950123, MeSH D030342.
Familial hemophagocytic lymphohistiocytosis 3 (FHL3). Also called: UNC13D-Related Familial Hemophagocytic Lymphohistiocytosis (UNC13D-fHLH). Identifiers: Orphanet 540, MedGen C1837174, MONDO:0012146, OMIM 608898.

Allele frequency attached by ClinVar (database versions not stated): gnomAD exomes below 0.00001; ExAC 0.00001; gnomAD 0.00001; TOPMed 0.00002; 1000 Genomes Project 30x 0.00016; 1000 Genomes Project 0.00020.
gnomAD v4.1: 5 of 1,612,430 alleles (0.00031%); highest among the groups gnomAD compares: Admixed American, 0.0083%; no homozygotes.

Submissions (3):

Women's Health and Genetics/Laboratory Corporation of America, LabCorp
Classification: Uncertain significance. Last evaluated: 2026-06-10. Review status: criteria provided, single submitter. Criteria: LabCorp Variant Classification Summary - May 2015. Collection method: clinical testing. Allele origin: germline.
Comment: Variant summary: UNC13D c.560C>G (p.Thr187Ser) results in a conservative amino acid change in the encoded protein sequence. Algorithms developed to predict the effect of missense changes on protein structure and function are either unavailable or do not agree on the potential impact of this missense change. The variant allele was found at a frequency of 4e-06 in 249266 control chromosomes. The available data on variant occurrences in the general population are insufficient to allow any conclusion about variant significance. To our knowledge, no occurrence of c.560C>G in individuals affected with UNC13D-related conditions and no experimental evidence demonstrating its impact on protein function have been reported. ClinVar contains an entry for this variant (Variation ID: 856199). Based on the evidence outlined above, the variant was classified as uncertain significance.

Ambry Genetics
Classification: Uncertain significance for Inborn genetic diseases. Last evaluated: 2025-08-30. Review status: criteria provided, single submitter. Criteria: Ambry Variant Classification Scheme 2023. Collection method: clinical testing. Allele origin: germline.

Labcorp Genetics (formerly Invitae), Labcorp
Classification: Uncertain significance for Familial hemophagocytic lymphohistiocytosis 3. Last evaluated: 2022-10-24. Review status: criteria provided, single submitter. Criteria: Invitae Variant Classification Sherloc (09022015). Collection method: clinical testing. Allele origin: germline.
Comment: This sequence change replaces threonine, which is neutral and polar, with serine, which is neutral and polar, at codon 187 of the UNC13D protein (p.Thr187Ser). This variant is present in population databases (rs563841795, gnomAD 0.003%). This variant has not been reported in the literature in individuals affected with UNC13D-related conditions. ClinVar contains an entry for this variant (Variation ID: 856199). Advanced modeling of protein sequence and biophysical properties (such as structural, functional, and spatial information, amino acid conservation, physicochemical variation, residue mobility, and thermodynamic stability) performed at Invitae indicates that this missense variant is not expected to disrupt UNC13D protein function. In summary, the available evidence is currently insufficient to determine the role of this variant in disease. Therefore, it has been classified as a Variant of Uncertain Significance.